The following is an entry in ClinVar:

ClinVar aggregate classification (germline): Pathogenic (1 of 4 stars; one submission).

Submission:

Labcorp Genetics (formerly Invitae), Labcorp
Classification: Pathogenic. Last evaluated: 2020-08-07. Review status: criteria provided, single submitter. Criteria: Invitae Variant Classification Sherloc (09022015). Collection method: clinical testing. Allele origin: germline.
Comment: This variant is an out-of-frame deletion of the genomic region encompassing exon 44 of the ADGRV1 gene. This is expected to create a premature translational stop signal and result in an absent or disrupted protein product. This variant has not been reported in the literature in individuals with ADGRV1-related conditions. Loss-of-function variants in ADGRV1 are known to be pathogenic (PMID: 19357117, 22135276, 22147658). For these reasons, this variant has been classified as Pathogenic.

Literature cited by the submitters: PubMed 19357117; PubMed 22135276; PubMed 22147658.

NC_000005.9:g.(?_90015865)_(90016040_?)del

Gene: ADGRV1 (adhesion G protein-coupled receptor V1; plus strand). Cytogenetic location: 5q14.3.
Variant type: Deletion.
Identifiers: ClinVar variation 1072701 (VCV001072701.4).